The following is an entry in ClinVar:

NM_013432.5(TONSL):c.31A>G (p.Ser11Gly)

Genes: TONSL (tonsoku like, DNA repair protein; minus strand), LOC130001399 (ATAC-STARR-seq lymphoblastoid silent region 19685; plus strand). Cytogenetic location: 8q24.3.
Variant type: single nucleotide variant.
Coding change: c.31A>G on transcript NM_013432.5 (MANE Select); coding-DNA position 31, A replaced by G.
Protein change: p.Ser11Gly; replaces serine 11 with glycine.
Molecular consequence: missense variant.
Genome position (GRCh38, 1-based): chr8:144,444,270, T>C on the plus strand (A>G on the coding strand, the complement: TONSL is on the minus strand). VCF-style: chr8-144444270-T-C. GRCh37 (hg19) VCF-style: chr8-145669653-T-C.
Other names: short protein forms S11G.
Identifiers: ClinVar variation 1488961 (VCV001488961.4), dbSNP rs942116732, ClinGen allele CA187678709.

ClinVar aggregate classification (germline): Uncertain significance. Review status: criteria provided, multiple submitters, no conflicts (2 of 4 stars). 2 submissions from 2 submitters: Uncertain significance (2). Last evaluated 2022-03-13.

Allele frequency attached by ClinVar (database versions not stated): gnomAD exomes below 0.00001; gnomAD 0.00001.

Submissions (2):

Labcorp Genetics (formerly Invitae), Labcorp
Classification: Uncertain significance. Last evaluated: 2022-03-13. Review status: criteria provided, single submitter. Criteria: Invitae Variant Classification Sherloc (09022015). Collection method: clinical testing. Allele origin: germline.
Comment: This sequence change replaces serine, which is neutral and polar, with glycine, which is neutral and non-polar, at codon 11 of the TONSL protein (p.Ser11Gly). This variant is not present in population databases (gnomAD no frequency). This variant has not been reported in the literature in individuals affected with TONSL-related conditions. Algorithms developed to predict the effect of missense changes on protein structure and function (SIFT, PolyPhen-2, Align-GVGD) all suggest that this variant is likely to be tolerated. In summary, the available evidence is currently insufficient to determine the role of this variant in disease. Therefore, it has been classified as a Variant of Uncertain Significance.

Breakthrough Genomics
Classification: Uncertain significance. Review status: criteria provided, single submitter. Criteria: ACMG Guidelines, 2015. Collection method: not provided. Allele origin: germline. Inheritance: Autosomal recessive inheritance. Affected: yes.